The following is an entry in ClinVar:

NM_005909.5(MAP1B):c.6386C>T (p.Ala2129Val)

Gene: MAP1B (microtubule associated protein 1B; plus strand). Cytogenetic location: 5q13.2.
Variant type: single nucleotide variant.
Coding change: c.6386C>T on transcript NM_005909.5 (MANE Select); coding-DNA position 6386, C replaced by T.
Protein change: p.Ala2129Val; replaces alanine 2129 with valine.
Molecular consequence: missense variant.
Genome position (GRCh38, 1-based): chr5:72,199,741, C>T. VCF-style: chr5-72199741-C-T. GRCh37 (hg19) VCF-style: chr5-71495568-C-T.
Other names: c.6008C>T, p.Ala2003Val (NM_001324255.2); short protein forms A2003V, A2129V.
Identifiers: ClinVar variation 3049124 (VCV003049124.2), dbSNP rs139907989, ClinGen allele CA3299477.
Genomic context (GRCh38, chr5:72,199,741, plus strand): 5'-GGTTTGCCAGTGAAGAACCCACTGAAGAATCTGAAAAGCCCCTCACTCAATCAGGGGGAG[C>T]CCCACCGCCTCCAGGAGGAAAGCAACAGGGCCGACAGTGTGATGAAACCCCTCCCACCTC-3'
Protein context (NP_005900.2, residues 2119-2139): SEKPLTQSGG[Ala2129Val]PPPPGGKQQG

ClinVar aggregate classification (germline): Uncertain significance (0 of 4 stars; one submission).

Conditions:
MAP1B-related disorder. Also called: MAP1B-related condition.

Allele frequency attached by ClinVar (database versions not stated): gnomAD 0.00001; ExAC 0.00002; TOPMed 0.00002; ESP Exome Variant Server 0.00008.
gnomAD v4.1: 36 of 1,614,002 alleles (0.0022%); highest among the groups gnomAD compares: Non-Finnish European, 0.0029%; no homozygotes.

Submission:

PreventionGenetics, part of Exact Sciences
Classification: Uncertain significance for MAP1B-related condition. Last evaluated: 2023-12-22. Review status: no assertion criteria provided. Collection method: clinical testing. Allele origin: germline.
Comment: The MAP1B c.6386C>T variant is predicted to result in the amino acid substitution p.Ala2129Val. To our knowledge, this variant has not been reported in the literature. This variant is reported in 0.0018% of alleles in individuals of European (Non-Finnish) descent in gnomAD. At this time, the clinical significance of this variant is uncertain due to the absence of conclusive functional and genetic evidence.